The following is an entry in ClinVar:

NM_177438.3(DICER1):c.360G>A (p.Lys120=)

Gene: DICER1 (dicer 1, ribonuclease III; minus strand). Cytogenetic location: 14q32.13.
Variant type: single nucleotide variant.
Coding change: c.360G>A on transcript NM_177438.3 (MANE Select); coding-DNA position 360, G replaced by A.
Protein change: p.Lys120=; no amino-acid change (lysine 120 retained).
Molecular consequence: synonymous variant.
Genome position (GRCh38, 1-based): chr14:95,131,587, C>T on the plus strand (G>A on the coding strand, the complement: DICER1 is on the minus strand). VCF-style: chr14-95131587-C-T. GRCh37 (hg19) VCF-style: chr14-95597924-C-T.
Other names: c.360G>A, p.Lys120= (NM_001195573.1, NM_001271282.3, NM_001291628.2 and 1 more transcripts).
Identifiers: ClinVar variation 1319734 (VCV001319734.7), dbSNP rs2140279368, ClinGen allele CA487634011.

ClinVar aggregate classification (germline): Conflicting classifications of pathogenicity. Review status: criteria provided, conflicting classifications (1 of 4 stars). 4 submissions from 4 submitters: Uncertain significance (1); Benign (1); Likely benign (2). Last evaluated 2026-04-15.

Conditions:
DICER1-related tumor predisposition. Also called: DICER1 syndrome; DICER1-related pleuropulmonary blastoma cancer predisposition syndrome. Identifiers: Orphanet 284343, MedGen C3839822, MONDO:0100216.
Hereditary cancer-predisposing syndrome. Also called: Hereditary neoplastic syndrome; Neoplastic Syndromes, Hereditary; Tumor predisposition; Hereditary Cancer Syndrome. Identifiers: Orphanet 140162, MedGen C0027672, MeSH D009386, MONDO:0015356.

Submissions (4):

Myriad Genetics, Inc.
Classification: Benign for DICER1-related tumor predisposition. Last evaluated: 2026-04-15. Review status: criteria provided, single submitter. Criteria: Myriad Autosomal Dominant, Autosomal Recessive and X-Linked Classification Criteria (2023). Collection method: clinical testing. Allele origin: unknown.
Comment: This variant is considered benign. This variant is a silent/synonymous amino acid change and it is not expected to impact splicing.

Ambry Genetics
Classification: Likely benign for Hereditary cancer-predisposing syndrome. Last evaluated: 2025-12-01. Review status: criteria provided, single submitter. Criteria: Ambry Variant Classification Scheme 2023. Collection method: clinical testing. Allele origin: germline.

Labcorp Genetics (formerly Invitae), Labcorp
Classification: Likely benign for DICER1-related tumor predisposition. Last evaluated: 2024-06-25. Review status: criteria provided, single submitter. Criteria: Invitae Variant Classification Sherloc (09022015). Collection method: clinical testing. Allele origin: germline.

Institute for Clinical Genetics, University Hospital TU Dresden, University Hospital TU Dresden
Classification: Uncertain significance. Last evaluated: 2021-11-03. Review status: criteria provided, single submitter. Criteria: ACMG Guidelines, 2015. Collection method: clinical testing. Allele origin: germline.